The following is an entry in ClinVar:

NM_178012.5(TUBB2B):c.505G>A (p.Val169Ile)

Gene: TUBB2B (tubulin beta 2B class IIb; minus strand). Cytogenetic location: 6p25.2.
Variant type: single nucleotide variant.
Coding change: c.505G>A on transcript NM_178012.5 (MANE Select); coding-DNA position 505, G replaced by A.
Protein change: p.Val169Ile; replaces valine 169 with isoleucine.
Molecular consequence: missense variant.
Genome position (GRCh38, 1-based): chr6:3,225,584, C>T on the plus strand (G>A on the coding strand, the complement: TUBB2B is on the minus strand). VCF-style: chr6-3225584-C-T. GRCh37 (hg19) VCF-style: chr6-3225818-C-T.
Other names: short protein forms V169I.
Identifiers: ClinVar variation 2973229 (VCV002973229.3), dbSNP rs2113819242, ClinGen allele CA362588292.

ClinVar aggregate classification (germline): Uncertain significance (1 of 4 stars; one submission).

Submission:

Labcorp Genetics (formerly Invitae), Labcorp
Classification: Uncertain significance. Last evaluated: 2022-11-08. Review status: criteria provided, single submitter. Criteria: Invitae Variant Classification Sherloc (09022015). Collection method: clinical testing. Allele origin: germline.
Comment: In summary, the available evidence is currently insufficient to determine the role of this variant in disease. Therefore, it has been classified as a Variant of Uncertain Significance. Algorithms developed to predict the effect of missense changes on protein structure and function are either unavailable or do not agree on the potential impact of this missense change (SIFT: "Deleterious"; PolyPhen-2: "Benign"; Align-GVGD: "Class C25"). This variant has not been reported in the literature in individuals affected with TUBB2B-related conditions. This variant is not present in population databases (gnomAD no frequency). This sequence change replaces valine, which is neutral and non-polar, with isoleucine, which is neutral and non-polar, at codon 169 of the TUBB2B protein (p.Val169Ile).